The following is an entry in ClinVar:

NM_001009944.3(PKD1):c.11717G>T (p.Cys3906Phe)

Gene: PKD1 (polycystin 1, transient receptor potential channel interacting; minus strand). Cytogenetic location: 16p13.3.
Variant type: single nucleotide variant.
Coding change: c.11717G>T on transcript NM_001009944.3 (MANE Select); coding-DNA position 11717, G replaced by T.
Protein change: p.Cys3906Phe; replaces cysteine 3906 with phenylalanine.
Molecular consequence: missense variant.
Genome position (GRCh38, 1-based): chr16:2,091,170, C>A on the plus strand (G>T on the coding strand, the complement: PKD1 is on the minus strand). VCF-style: chr16-2091170-C-A. GRCh37 (hg19) VCF-style: chr16-2141171-C-A.
Other names: c.11714G>T, p.Cys3905Phe (NM_000296.4); short protein forms C3905F, C3906F.
Identifiers: ClinVar variation 440098 (VCV000440098.19), dbSNP rs369291413, ClinGen allele CA7828984.

ClinVar aggregate classification (germline): Benign/Likely benign. Review status: criteria provided, multiple submitters, no conflicts (2 of 4 stars). 9 submissions from 9 submitters: Benign (1); Likely benign (5). 3 of the submissions do not count toward it. Last evaluated 2026-03-01.

Allele frequency attached by ClinVar (database versions not stated): ESP Exome Variant Server 0.00045; gnomAD 0.00122 and 0.00127; TOPMed 0.00123; 1000 Genomes Project 30x 0.00016.

Submissions (9):

CeGaT Center for Human Genetics Tuebingen
Classification: Likely benign. Last evaluated: 2026-03-01. Review status: criteria provided, single submitter. Criteria: CeGaT Center For Human Genetics Tuebingen Variant Classification Criteria Version 2. Collection method: clinical testing. Allele origin: germline. Affected: yes. Observed: 1 variant allele.
Comment: PKD1: PM5, BS2

Women's Health and Genetics/Laboratory Corporation of America, LabCorp
Classification: Likely benign. Last evaluated: 2025-09-22. Review status: criteria provided, single submitter. Criteria: LabCorp Variant Classification Summary - May 2015. Collection method: clinical testing. Allele origin: germline.
Comment: Variant summary: PKD1 c.11717G>T (p.Cys3906Phe) results in a non-conservative amino acid change in the encoded protein sequence. Algorithms developed to predict the effect of missense changes on protein structure and function are either unavailable or do not agree on the potential impact of this missense change. The variant allele was found at a frequency of 0.001 in 88296 control chromosomes. The observed variant frequency exceeds the estimated maximal expected allele frequency for disease-causing variants in PKD1. c.11717G>T has been observed in individual(s) affected with dominant Polycystic Kidney Disease 1. These report(s) do not provide unequivocal conclusions about association of the variant with Polycystic Kidney Disease 1. To our knowledge, no experimental evidence demonstrating an impact on protein function has been reported. The following publication have been ascertained in the context of this evaluation (PMID: 23139683). ClinVar contains an entry for this variant (Variation ID: 440098). Based on the evidence outlined above, the variant was classified as likely benign.

Blueprint Genetics
Classification: Likely benign. Last evaluated: 2024-11-12. Review status: criteria provided, single submitter. Criteria: ACMG Guidelines, 2015. Collection method: clinical testing. Allele origin: germline.

GeneDx
Classification: Likely benign. Last evaluated: 2020-08-06. Review status: criteria provided, single submitter. Criteria: GeneDx Variant Classification Process June 2021. Collection method: clinical testing. Allele origin: germline. Affected: yes.
Comment: This variant is associated with the following publications: (PMID: 23300259)

Athena Diagnostics
Classification: Benign. Last evaluated: 2019-02-25. Review status: criteria provided, single submitter. Criteria: Athena Diagnostics Criteria. Collection method: clinical testing. Allele origin: germline.

ARUP Laboratories, Molecular Genetics and Genomics, ARUP Laboratories
Classification: Likely benign. Last evaluated: 2017-08-30. Review status: criteria provided, single submitter. Criteria: ARUP Molecular Germline Variant Investigation Process. Collection method: clinical testing. Allele origin: germline.

Clinical Genetics DNA and cytogenetics Diagnostics Lab, Erasmus MC, Erasmus Medical Center
Classification: Likely benign. Review status: no assertion criteria provided. Collection method: clinical testing. Allele origin: germline. Affected: yes. Study: VKGL Data-share Consensus. Not counted in ClinVar's aggregate classification.

Genome Diagnostics Laboratory, University Medical Center Utrecht
Classification: Benign. Review status: no assertion criteria provided. Collection method: clinical testing. Allele origin: germline. Affected: yes. Study: VKGL Data-share Consensus. Not counted in ClinVar's aggregate classification.

Laboratory of Diagnostic Genome Analysis, Leiden University Medical Center (LUMC)
Classification: Likely benign. Review status: no assertion criteria provided. Collection method: clinical testing. Allele origin: germline. Affected: yes. Study: VKGL Data-share Consensus. Not counted in ClinVar's aggregate classification.

Literature cited by the submitters: PubMed 23139683 (cited by Women's Health and Genetics/Laboratory Corporation of America, LabCorp); PubMed 22383692 (cited by Athena Diagnostics).